The following is an entry in ClinVar:

NM_000117.3(EMD):c.563C>G (p.Thr188Ser)

Gene: EMD (emerin; plus strand). Cytogenetic location: Xq28.
Variant type: single nucleotide variant.
Coding change: c.563C>G on transcript NM_000117.3 (MANE Select); coding-DNA position 563, C replaced by G.
Protein change: p.Thr188Ser; replaces threonine 188 with serine.
Molecular consequence: missense variant.
Genome position (GRCh38, 1-based): chrX:154,380,995, C>G. VCF-style: chrX-154380995-C-G. GRCh37 (hg19) VCF-style: chrX-153609355-C-G.
Other names: short protein forms T188S.
Identifiers: ClinVar variation 4614080 (VCV004614080.1).

ClinVar aggregate classification (germline): Uncertain significance (1 of 4 stars; one submission).

Conditions:
Cardiovascular phenotype. Identifiers: MedGen CN230736.

Submission:

Ambry Genetics
Classification: Uncertain significance for Cardiovascular phenotype. Last evaluated: 2025-11-12. Review status: criteria provided, single submitter. Criteria: Ambry Variant Classification Scheme 2023. Collection method: clinical testing. Allele origin: germline.
Comment: The p.T188S variant (also known as c.563C>G), located in coding exon 6 of the EMD gene, results from a C to G substitution at nucleotide position 563. The threonine at codon 188 is replaced by serine, an amino acid with similar properties. This amino acid position is not well conserved in available vertebrate species. In addition, this alteration is predicted to be tolerated by in silico analysis. Based on the available evidence, the clinical significance of this variant remains unclear.